The following is an entry in ClinVar:

ClinVar aggregate classification (germline): Uncertain significance (1 of 4 stars; one submission).

Conditions:
Baller-Gerold syndrome (BGS). Also called: CRANIOSYNOSTOSIS WITH RADIAL DEFECTS. Identifiers: Orphanet 1225, MedGen C0265308, MONDO:0009039, OMIM 218600.

Submission:

Labcorp Genetics (formerly Invitae), Labcorp
Classification: Uncertain significance for Baller-Gerold syndrome. Last evaluated: 2020-12-23. Review status: criteria provided, single submitter. Criteria: Invitae Variant Classification Sherloc (09022015). Collection method: clinical testing. Allele origin: germline.
Comment: This sequence change replaces glutamine with proline at codon 567 of the RECQL4 protein (p.Gln567Pro). The glutamine residue is moderately conserved and there is a moderate physicochemical difference between glutamine and proline. This variant is not present in population databases (ExAC no frequency). This variant has not been reported in the literature in individuals with RECQL4-related conditions. Experimental studies and prediction algorithms are not available or were not evaluated, and the functional significance of this variant is currently unknown. In summary, the available evidence is currently insufficient to determine the role of this variant in disease. Therefore, it has been classified as a Variant of Uncertain Significance.

NM_004260.4(RECQL4):c.1700A>C (p.Gln567Pro)

Gene: RECQL4 (RecQ like helicase 4; minus strand). Cytogenetic location: 8q24.3.
Variant type: single nucleotide variant.
Coding change: c.1700A>C on transcript NM_004260.4 (MANE Select); coding-DNA position 1700, A replaced by C.
Protein change: p.Gln567Pro; replaces glutamine 567 with proline.
Molecular consequence: missense variant.
Genome position (GRCh38, 1-based): chr8:144,514,446, T>G on the plus strand (A>C on the coding strand, the complement: RECQL4 is on the minus strand). VCF-style: chr8-144514446-T-G. GRCh37 (hg19) VCF-style: chr8-145739830-T-G.
Other names: short protein forms Q567P.
Identifiers: ClinVar variation 1438945 (VCV001438945.6), dbSNP rs2130698088, ClinGen allele CA372681494.